The following is an entry in ClinVar:

NM_000138.5(FBN1):c.1679G>T (p.Gly560Val)

Gene: FBN1 (fibrillin 1; minus strand). Cytogenetic location: 15q21.1.
Variant type: single nucleotide variant.
Coding change: c.1679G>T on transcript NM_000138.5 (MANE Select); coding-DNA position 1679, G replaced by T.
Protein change: p.Gly560Val; replaces glycine 560 with valine.
Molecular consequence: missense variant.
Genome position (GRCh38, 1-based): chr15:48,510,079, C>A on the plus strand (G>T on the coding strand, the complement: FBN1 is on the minus strand). VCF-style: chr15-48510079-C-A. GRCh37 (hg19) VCF-style: chr15-48802276-C-A.
Other names: short protein forms G560V.
Identifiers: ClinVar variation 803096 (VCV000803096.11), dbSNP rs1555400052, ClinGen allele CA392341005.
Genomic context (GRCh38, chr15:48,510,079, plus strand): 5'-ACTAACATTAGTATACTATTATTACCTTCACAGTTCTTCCCATCTCGTGTAACATGAAAG[C>A]CCGCATTACACACGCAATGAAAACTGCCATCTGTGTTGATGCAGCGTCCATTATTGCAGA-3'
Protein context (NP_000129.3, residues 550-570): DGSFHCVCNA[Gly560Val]FHVTRDGKNC

ClinVar aggregate classification (germline): Pathogenic/Likely pathogenic. Review status: criteria provided, multiple submitters, no conflicts (2 of 4 stars). 3 submissions from 3 submitters: Pathogenic (1); Likely pathogenic (2). Last evaluated 2024-05-28.

Conditions:
Familial thoracic aortic aneurysm and aortic dissection (TAAD). Also called: Thoracic aortic aneurysms and dissections. Identifiers: Orphanet 91387, MedGen C4707243, MONDO:0019625.
Marfan syndrome (MFS). Also called: FBN1-Related Marfan Syndrome; Marfan's syndrome; MARFAN SYNDROME, TYPE I; Marfan syndrome type 1; Marfan syndrome, classic. Identifiers: Orphanet 284963, Orphanet 558, MedGen C0024796, MONDO:0007947, OMIM 154700.

Submissions (3):

Greenwood Genetic Center Diagnostic Laboratories, Greenwood Genetic Center
Classification: Likely pathogenic for Marfan syndrome. Last evaluated: 2024-05-28. Review status: criteria provided, single submitter. Criteria: ACMG Guidelines, 2015. Collection method: clinical testing. Allele origin: germline. Affected: yes.
Comment: PM1_Supporting, PM2, PM5_Supporting, PP2, PP3

Labcorp Genetics (formerly Invitae), Labcorp
Classification: Pathogenic for Marfan syndrome; Familial thoracic aortic aneurysm and aortic dissection. Last evaluated: 2021-08-06. Review status: criteria provided, single submitter. Criteria: Invitae Variant Classification Sherloc (09022015). Collection method: clinical testing. Allele origin: germline.
Comment: This variant is not present in population databases (ExAC no frequency). Algorithms developed to predict the effect of missense changes on protein structure and function (SIFT, PolyPhen-2, Align-GVGD) all suggest that this variant is likely to be disruptive, but these predictions have not been confirmed by published functional studies and their clinical significance is uncertain. This variant disrupts the p.Gly560 amino acid residue in FBN1. Other variant(s) that disrupt this residue have been observed in individuals with FBN1-related conditions (PMID: 11700157, 25101912), which suggests that this may be a clinically significant amino acid residue. This sequence change replaces glycine with valine at codon 560 of the FBN1 protein (p.Gly560Val). The glycine residue is highly conserved and there is a moderate physicochemical difference between glycine and valine. For these reasons, this variant has been classified as Pathogenic.

Mendelics
Classification: Likely pathogenic for Marfan syndrome. Last evaluated: 2019-05-28. Review status: criteria provided, single submitter. Criteria: Mendelics Assertion Criteria 2017. Collection method: clinical testing. Allele origin: unknown.

Literature cited by the submitters: PubMed 11700157 (cited by Labcorp Genetics (formerly Invitae), Labcorp); PubMed 25101912 (cited by Labcorp Genetics (formerly Invitae), Labcorp).